The following is an entry in ClinVar:

ClinVar aggregate classification (germline): Uncertain significance (1 of 4 stars; one submission).

Conditions:
Epileptic encephalopathy. Identifiers: MedGen C0543888, HP:0200134.

Allele frequency attached by ClinVar (database versions not stated): gnomAD exomes below 0.00001 and 0.00001; TOPMed below 0.00001.
gnomAD v4.1: 14 of 1,613,250 alleles (0.00087%); highest among the groups gnomAD compares: Non-Finnish European, 0.0011%; no homozygotes.

Submission:

Labcorp Genetics (formerly Invitae), Labcorp
Classification: Uncertain significance for Epileptic encephalopathy. Last evaluated: 2024-10-15. Review status: criteria provided, single submitter. Criteria: Invitae Variant Classification Sherloc (09022015). Collection method: clinical testing. Allele origin: germline.
Comment: This sequence change replaces glutamic acid, which is acidic and polar, with lysine, which is basic and polar, at codon 438 of the RYR3 protein (p.Glu438Lys). This variant is present in population databases (no rsID available, gnomAD 0.0009%). This variant has not been reported in the literature in individuals affected with RYR3-related conditions. ClinVar contains an entry for this variant (Variation ID: 574609). An algorithm developed to predict the effect of missense changes on protein structure and function (PolyPhen-2) suggests that this variant is likely to be tolerated. In summary, the available evidence is currently insufficient to determine the role of this variant in disease. Therefore, it has been classified as a Variant of Uncertain Significance.

NM_001036.6(RYR3):c.1312G>A (p.Glu438Lys)

Gene: RYR3 (ryanodine receptor 3; plus strand). Cytogenetic location: 15q14.
Variant type: single nucleotide variant.
Coding change: c.1312G>A on transcript NM_001036.6 (MANE Select); coding-DNA position 1312, G replaced by A.
Protein change: p.Glu438Lys; replaces glutamic acid 438 with lysine.
Molecular consequence: missense variant.
Genome position (GRCh38, 1-based): chr15:33,580,019, G>A. VCF-style: chr15-33580019-G-A. GRCh37 (hg19) VCF-style: chr15-33872220-G-A.
Other names: c.1312G>A, p.Glu438Lys (NM_001243996.4); short protein forms E438K.
Identifiers: ClinVar variation 574609 (VCV000574609.8), dbSNP rs932569732, ClinGen allele CA268557767.
Genomic context (GRCh38, chr15:33,580,019, plus strand): 5'-AATCTCATGGTTTTTAGCGGAAACAATCGCACAGCTGCCCCCATCACCCTGCCTATAGAA[G>A]AAGTCCTGCAGACCCTACAGGACTTGATCGCCTACTTCCAGCCCCCAGAGGAGGAGATGC-3'
Protein context (NP_001027.3, residues 428-448): TAAPITLPIE[Glu438Lys]VLQTLQDLIA